The following is an entry in ClinVar:

NM_001097639.3(FUT3):c.612A>G (p.Ser204=)

Gene: FUT3 (fucosyltransferase 3 (Lewis blood group); minus strand). Cytogenetic location: 19p13.3.
Variant type: single nucleotide variant.
Coding change: c.612A>G on transcript NM_001097639.3 (MANE Select); coding-DNA position 612, A replaced by G.
Protein change: p.Ser204=; no amino-acid change (serine 204 retained).
Molecular consequence: synonymous variant.
Genome position (GRCh38, 1-based): chr19:5,844,228, T>C on the plus strand (A>G on the coding strand, the complement: FUT3 is on the minus strand). VCF-style: chr19-5844228-T-C. GRCh37 (hg19) VCF-style: chr19-5844239-T-C.
Other names: c.612A>G, p.Ser204= (NM_000149.4, NM_001097640.3, NM_001097641.3 and 1 more transcripts).
Identifiers: ClinVar variation 773080 (VCV000773080.6), dbSNP rs28362465, ClinGen allele CA9118267.

ClinVar aggregate classification (germline): Likely benign. Review status: criteria provided, multiple submitters, no conflicts (2 of 4 stars). 3 submissions from 3 submitters: Likely benign (2). 1 of the submissions does not count toward it. Last evaluated 2018-07-23.

Conditions:
FUT3-related disorder. Also called: FUT3-related condition.

Allele frequency attached by ClinVar (database versions not stated): 1000 Genomes Project 30x 0.02280.

Submissions (3):

Labcorp Genetics (formerly Invitae), Labcorp
Classification: Likely benign. Last evaluated: 2018-07-23. Review status: criteria provided, single submitter. Criteria: Invitae Variant Classification Sherloc (09022015). Collection method: clinical testing. Allele origin: germline.

Breakthrough Genomics
Classification: Likely benign. Review status: criteria provided, single submitter. Criteria: ACMG Guidelines, 2015. Collection method: not provided. Allele origin: germline. Inheritance: Unknown mechanism. Affected: yes.

PreventionGenetics, part of Exact Sciences
Classification: Likely benign for FUT3-related condition. Last evaluated: 2023-02-01. Review status: no assertion criteria provided. Collection method: clinical testing. Allele origin: germline. Not counted in ClinVar's aggregate classification.
Comment: This variant is classified as likely benign based on ACMG/AMP sequence variant interpretation guidelines (Richards et al. 2015 PMID: 25741868, with internal and published modifications).